The following is an entry in ClinVar:

ClinVar aggregate classification (germline): Likely benign (1 of 4 stars; one submission).

gnomAD v4.1: 8 of 1,612,232 alleles (0.0005%); highest among the groups gnomAD compares: Middle Eastern, 0.05%; no homozygotes.

Submission:

CeGaT Center for Human Genetics Tuebingen
Classification: Likely benign. Last evaluated: 2024-09-01. Review status: criteria provided, single submitter. Criteria: CeGaT Center For Human Genetics Tuebingen Variant Classification Criteria Version 2. Collection method: clinical testing. Allele origin: germline. Affected: yes. Observed: 1 variant allele.
Comment: MAST1: BP4

NM_014975.3(MAST1):c.2272G>T (p.Gly758Cys)

Genes: MAST1 (microtubule associated serine/threonine kinase 1; plus strand), LOC112543452 (Sharpr-MPRA regulatory region 6054; plus strand). Cytogenetic location: 19p13.13.
Variant type: single nucleotide variant.
Coding change: c.2272G>T on transcript NM_014975.3 (MANE Select); coding-DNA position 2272, G replaced by T.
Protein change: p.Gly758Cys; replaces glycine 758 with cysteine.
Molecular consequence: missense variant.
Genome position (GRCh38, 1-based): chr19:12,867,606, G>T. VCF-style: chr19-12867606-G-T. GRCh37 (hg19) VCF-style: chr19-12978420-G-T.
Other names: short protein forms G758C.
Identifiers: ClinVar variation 3388378 (VCV003388378.14).